The following is an entry in ClinVar:

NM_000368.5(TSC1):c.2317_2318delinsCA (p.Thr773His)

Gene: TSC1 (TSC complex subunit 1; minus strand). Cytogenetic location: 9q34.13.
Variant type: Indel.
Coding change: c.2317_2318delinsCA on transcript NM_000368.5 (MANE Select); coding-DNA positions 2317 to 2318, AC replaced by CA.
Protein change: p.Thr773His; replaces threonine 773 with histidine.
Molecular consequence: missense variant.
Genome position (GRCh38, 1-based): chr9:132,902,678-132,902,679, GT replaced by TG on the plus strand (AC replaced by CA on the coding strand, the reverse complement: TSC1 is on the minus strand). VCF-style: chr9-132902678-GT-TG. GRCh37 (hg19) VCF-style: chr9-135778065-GT-TG.
Other names: c.2317_2318delACinsCA (NM_000368.4); c.2314_2315delinsCA, p.Thr772His (NM_001162426.2); c.2164_2165delinsCA, p.Thr722His (NM_001162427.2); c.1954_1955delinsCA, p.Thr652His (NM_001362177.2); short protein forms T652H, T773H, T722H, T772H.
Identifiers: ClinVar variation 411233 (VCV000411233.9), dbSNP rs1060503202, ClinGen allele CA16612751.

ClinVar aggregate classification (germline): Uncertain significance. Review status: criteria provided, multiple submitters, no conflicts (2 of 4 stars). 2 submissions from 2 submitters: Uncertain significance (2). Last evaluated 2024-11-08.

Conditions:
Tuberous sclerosis 1 (TSC1). Identifiers: Orphanet 805, MedGen C1854465, MONDO:0008612, OMIM 191100.
Hereditary cancer-predisposing syndrome. Also called: Hereditary neoplastic syndrome; Neoplastic Syndromes, Hereditary; Tumor predisposition; Hereditary Cancer Syndrome. Identifiers: Orphanet 140162, MedGen C0027672, MeSH D009386, MONDO:0015356.

Submissions (2):

Ambry Genetics
Classification: Uncertain significance for Hereditary cancer-predisposing syndrome. Last evaluated: 2024-11-08. Review status: criteria provided, single submitter. Criteria: Ambry Variant Classification Scheme 2023. Collection method: clinical testing. Allele origin: germline.
Comment: The c.2317_2318delACinsCA variant, located in coding exon 16 of the TSC1 gene, results from an in-frame deletion of AC and insertion of CA at nucleotide positions 2317 to 2318. This results in the substitution of the threonine residue for a histidine residue at codon 773, an amino acid with highly similar properties. This amino acid position is not well conserved in available vertebrate species. In addition, this alteration is predicted to be neutral by in silico analysis (Choi Y et al. PLoS ONE. 2012; 7(10):e46688). Based on the available evidence, the clinical significance of this variant remains unclear.

Labcorp Genetics (formerly Invitae), Labcorp
Classification: Uncertain significance for Tuberous sclerosis 1. Last evaluated: 2022-04-07. Review status: criteria provided, single submitter. Criteria: Invitae Variant Classification Sherloc (09022015). Collection method: clinical testing. Allele origin: germline.
Comment: Algorithms developed to predict the effect of missense changes on protein structure and function are either unavailable or do not agree on the potential impact of this missense change (SIFT: "Not Available"; PolyPhen-2: "Benign"; Align-GVGD: "Not Available"). ClinVar contains an entry for this variant (Variation ID: 411233). This variant has not been reported in the literature in individuals affected with TSC1-related conditions. This variant is present in population databases (no rsID available, gnomAD 0.04%). This sequence change replaces threonine, which is neutral and polar, with histidine, which is basic and polar, at codon 773 of the TSC1 protein (p.Thr773His). In summary, the available evidence is currently insufficient to determine the role of this variant in disease. Therefore, it has been classified as a Variant of Uncertain Significance.